The following is an entry in ClinVar:

ClinVar aggregate classification (germline): Benign/Likely benign. Review status: criteria provided, multiple submitters, no conflicts (2 of 4 stars). 4 submissions from 4 submitters: Benign (1); Likely benign (3). Last evaluated 2025-04-11.

Allele frequency attached by ClinVar (database versions not stated): ExAC 0.00032; ESP Exome Variant Server 0.00058; 1000 Genomes Project 30x 0.00062; gnomAD 0.00062; TOPMed 0.00076; 1000 Genomes Project 0.00080.
gnomAD v4.1: 402 of 1,613,508 alleles (0.025%); highest among the groups gnomAD compares: African/African-American, 0.18%; no homozygotes.

Submissions (4):

Labcorp Genetics (formerly Invitae), Labcorp
Classification: Benign. Last evaluated: 2025-04-11. Review status: criteria provided, single submitter. Criteria: Invitae Variant Classification Sherloc (09022015). Collection method: clinical testing. Allele origin: germline.

Blueprint Genetics
Classification: Likely benign. Last evaluated: 2024-10-22. Review status: criteria provided, single submitter. Criteria: ACMG Guidelines, 2015. Collection method: clinical testing. Allele origin: germline.

ARUP Laboratories, Molecular Genetics and Genomics, ARUP Laboratories
Classification: Likely benign. Last evaluated: 2024-02-29. Review status: criteria provided, single submitter. Criteria: ARUP Molecular Germline Variant Investigation Process 2024. Collection method: clinical testing. Allele origin: germline.

CeGaT Center for Human Genetics Tuebingen
Classification: Likely benign. Last evaluated: 2022-07-01. Review status: criteria provided, single submitter. Criteria: CeGaT Center For Human Genetics Tuebingen Variant Classification Criteria Version 2. Collection method: clinical testing. Allele origin: germline. Affected: yes. Observed: 1 variant allele.
Comment: SPTA1: BP4, BP7

NM_003126.4(SPTA1):c.4311C>T (p.Asp1437=)

Gene: SPTA1 (spectrin alpha, erythrocytic 1; minus strand). Cytogenetic location: 1q23.1.
Variant type: single nucleotide variant.
Coding change: c.4311C>T on transcript NM_003126.4 (MANE Select); coding-DNA position 4311, C replaced by T.
Protein change: p.Asp1437=; no amino-acid change (aspartic acid 1437 retained).
Molecular consequence: synonymous variant.
Genome position (GRCh38, 1-based): chr1:158,644,280, G>A on the plus strand (C>T on the coding strand, the complement: SPTA1 is on the minus strand). VCF-style: chr1-158644280-G-A. GRCh37 (hg19) VCF-style: chr1-158614070-G-A.
Identifiers: ClinVar variation 2639477 (VCV002639477.27), dbSNP rs189877287, ClinGen allele CA1182772.
Genomic context (GRCh38, chr1:158,644,280, plus strand): 5'-TATTATTTTAATTCCTTTACTAGTCATTATTACCTGGGCAGTGATTGCTTTGTCCAAATC[G>A]TCCCGTTTCTTCATCAAAGCCTCCAGACTGTCTAAGGAACTTTTGTCATCTGACCTCAGG-3'
Protein context (NP_003117.2, residues 1427-1447): DSLEALMKKR[Asp1437=]DLDKAITAQE